The following is an entry in ClinVar:

NM_138701.4(MPLKIP):c.179C>T (p.Pro60Leu)

Genes: MPLKIP (M-phase specific PLK1 interacting protein; minus strand), LOC129998295 (ATAC-STARR-seq lymphoblastoid silent region 18117; plus strand). Cytogenetic location: 7p14.1.
Variant type: single nucleotide variant.
Coding change: c.179C>T on transcript NM_138701.4 (MANE Select); coding-DNA position 179, C replaced by T.
Protein change: p.Pro60Leu; replaces proline 60 with leucine.
Molecular consequence: missense variant.
Genome position (GRCh38, 1-based): chr7:40,134,389, G>A on the plus strand (C>T on the coding strand, the complement: MPLKIP is on the minus strand). VCF-style: chr7-40134389-G-A. GRCh37 (hg19) VCF-style: chr7-40173988-G-A.
Other names: short protein forms P60L.
Identifiers: ClinVar variation 1516343 (VCV001516343.3), dbSNP rs1424685929, ClinGen allele CA367308374.
Genomic context (GRCh38, chr7:40,134,389, plus strand): 5'-GACCCGAACCGGCCCCCCGGGAAGCTGCCGCCGTGTCGCGGAGAGTGACTGCTCCCGTAC[G>A]GCCTAGACCGGGGCCCGTACGGCGGCGTGTGGTGCGGACTCCCGTACCCGTCTCGAGGGG-3'
Protein context (NP_619646.1, residues 50-70): HTPPYGPRSR[Pro60Leu]YGSSHSPRHG

ClinVar aggregate classification (germline): Uncertain significance (1 of 4 stars; one submission).

Allele frequency attached by ClinVar (database versions not stated): gnomAD 0.00001; TOPMed 0.00001.

Submission:

Labcorp Genetics (formerly Invitae), Labcorp
Classification: Uncertain significance. Last evaluated: 2021-12-15. Review status: criteria provided, single submitter. Criteria: Invitae Variant Classification Sherloc (09022015). Collection method: clinical testing. Allele origin: germline.
Comment: This sequence change replaces proline, which is neutral and non-polar, with leucine, which is neutral and non-polar, at codon 60 of the MPLKIP protein (p.Pro60Leu). The frequency data for this variant in the population databases is considered unreliable, as metrics indicate poor data quality at this position in the gnomAD database. This variant has not been reported in the literature in individuals affected with MPLKIP-related conditions. Algorithms developed to predict the effect of missense changes on protein structure and function (SIFT, PolyPhen-2, Align-GVGD) all suggest that this variant is likely to be disruptive. In summary, the available evidence is currently insufficient to determine the role of this variant in disease. Therefore, it has been classified as a Variant of Uncertain Significance.